The following is an entry in ClinVar:

ClinVar aggregate classification (germline): Benign/Likely benign. Review status: criteria provided, multiple submitters, no conflicts (2 of 4 stars). 7 submissions from 7 submitters: Benign (5); Likely benign (2). Last evaluated 2026-02-04.

Conditions:
Autosomal recessive severe congenital neutropenia due to CSF3R deficiency. Also called: Neutropenia, severe congenital, 7, autosomal recessive. Identifiers: Orphanet 420702, MedGen C4310764, MONDO:0014865, OMIM 617014.

Allele frequency attached by ClinVar (database versions not stated): 1000 Genomes Project 30x 0.00953; 1000 Genomes Project 0.00998; gnomAD exomes 0.01882 and 0.02625; ExAC 0.01900; TOPMed 0.01941; gnomAD 0.02034 and 0.02119; ESP Exome Variant Server 0.02237.
gnomAD v4.1: 41,354 of 1,614,142 alleles (2.6%); highest among the groups gnomAD compares: Non-Finnish European, 3.1%; 624 homozygotes.

Submissions (7):

Labcorp Genetics (formerly Invitae), Labcorp
Classification: Benign for Autosomal recessive severe congenital neutropenia due to CSF3R deficiency. Last evaluated: 2026-02-04. Review status: criteria provided, single submitter. Criteria: Invitae Variant Classification Sherloc (09022015). Collection method: clinical testing. Allele origin: germline.

Women's Health and Genetics/Laboratory Corporation of America, LabCorp
Classification: Likely benign. Last evaluated: 2026-01-22. Review status: criteria provided, single submitter. Criteria: LabCorp Variant Classification Summary - May 2015. Collection method: clinical testing. Allele origin: germline.

ARUP Laboratories, Molecular Genetics and Genomics, ARUP Laboratories
Classification: Benign. Last evaluated: 2025-07-14. Review status: criteria provided, single submitter. Criteria: ARUP Molecular Germline Variant Investigation Process 2024. Collection method: clinical testing. Allele origin: germline.

Blueprint Genetics
Classification: Likely benign. Last evaluated: 2024-11-26. Review status: criteria provided, single submitter. Criteria: ACMG Guidelines, 2015. Collection method: clinical testing. Allele origin: germline.

Mayo Clinic Laboratories, Mayo Clinic
Classification: Benign. Last evaluated: 2023-08-24. Review status: criteria provided, single submitter. Criteria: ACMG Guidelines, 2015. Collection method: clinical testing. Allele origin: germline. Observed: 60 variant alleles.
Comment: BS1, BS2, BP4_strong

Breakthrough Genomics
Classification: Benign. Review status: criteria provided, single submitter. Criteria: ACMG Guidelines, 2015. Collection method: not provided. Allele origin: germline. Inheritance: Autosomal recessive inheritance. Affected: yes.

PreventionGenetics, part of Exact Sciences
Classification: Benign. Review status: criteria provided, single submitter. Criteria: ACMG Guidelines, 2015. Collection method: clinical testing. Allele origin: germline.

Literature cited by the submitters: PubMed 23896413 (cited by Women's Health and Genetics/Laboratory Corporation of America, LabCorp); PubMed 28302714 (cited by Women's Health and Genetics/Laboratory Corporation of America, LabCorp); PubMed 24627528 (cited by Women's Health and Genetics/Laboratory Corporation of America, LabCorp); PubMed 23656643 (cited by Women's Health and Genetics/Laboratory Corporation of America, LabCorp); PubMed 23604229 (cited by Women's Health and Genetics/Laboratory Corporation of America, LabCorp); PubMed 27069254 (cited by Women's Health and Genetics/Laboratory Corporation of America, LabCorp).

NM_000760.4(CSF3R):c.958G>A (p.Asp320Asn)

Gene: CSF3R (colony stimulating factor 3 receptor; minus strand). Cytogenetic location: 1p34.3.
Variant type: single nucleotide variant.
Coding change: c.958G>A on transcript NM_000760.4 (MANE Select); coding-DNA position 958, G replaced by A.
Protein change: p.Asp320Asn; replaces aspartic acid 320 with asparagine.
Molecular consequence: missense variant.
Genome position (GRCh38, 1-based): chr1:36,472,277, C>T on the plus strand (G>A on the coding strand, the complement: CSF3R is on the minus strand). VCF-style: chr1-36472277-C-T. GRCh37 (hg19) VCF-style: chr1-36937878-C-T.
Other names: c.958G>A, p.Asp320Asn (NM_156039.3, NM_172313.3, LRG_144t1); short protein forms D320N.
Identifiers: ClinVar variation 256796 (VCV000256796.17), dbSNP rs3918018, ClinGen allele CA769338.
Genomic context (GRCh38, chr1:36,472,277, plus strand): 5'-AGCCTCTCATCACCTCCTTACCCCGTTCGGTAGTTCTCAGCTCCAGGCTGGGGCTCCAGT[C>T]GCTCCAGTGGCCAGGCAGGGGCCAGCGGATGCAGCGTATCTGCAGGGTGTAGGCCGTGGC-3'
Protein context (NP_000751.1, residues 310-330): IRWPLPGHWS[Asp320Asn]WSPSLELRTT